The following is an entry in ClinVar:

ClinVar aggregate classification (germline): Uncertain significance. Review status: criteria provided, multiple submitters, no conflicts (2 of 4 stars). 3 submissions from 3 submitters: Uncertain significance (3). Last evaluated 2026-05-01.

Conditions:
Inborn genetic diseases. Identifiers: MedGen C0950123, MeSH D030342.
Growth and developmental delay-hypotonia-vision impairment-lactic acidosis syndrome. Also called: Combined oxidative phosphorylation deficiency 18. Identifiers: Orphanet 391348, MedGen C3810001, MONDO:0014261, OMIM 615578.

gnomAD v4.1: 47 of 1,613,942 alleles (0.0029%); highest among the groups gnomAD compares: Middle Eastern, 0.066%; no homozygotes.

Submissions (3):

CeGaT Center for Human Genetics Tuebingen
Classification: Uncertain significance. Last evaluated: 2026-05-01. Review status: criteria provided, single submitter. Criteria: CeGaT Center For Human Genetics Tuebingen Variant Classification Criteria Version 2. Collection method: clinical testing. Allele origin: germline. Affected: yes. Observed: 1 variant allele.
Comment: SFXN4: PM2, BP4

Ambry Genetics
Classification: Uncertain significance for Inborn genetic diseases. Last evaluated: 2026-03-30. Review status: criteria provided, single submitter. Criteria: Ambry Variant Classification Scheme 2023. Collection method: clinical testing. Allele origin: germline.
Comment: The c.271C>T (p.R91W) alteration is located in exon 4 (coding exon 4) of the SFXN4 gene. This alteration results from a C to T substitution at nucleotide position 271, causing the arginine (R) at amino acid position 91 to be replaced by a tryptophan (W). Based on data from gnomAD, the T allele has an overall frequency of 0.007% (19/282840) total alleles studied. The highest observed frequency was 0.023% (8/35434) of Latino alleles. Based on insufficient or conflicting evidence, the clinical significance of this alteration remains unclear.

Clinical Genomics Laboratory, Stanford Medicine
Classification: Uncertain significance for Growth and developmental delay-hypotonia-vision impairment-lactic acidosis syndrome. Last evaluated: 2022-04-25. Review status: criteria provided, single submitter. Criteria: ACMG Guidelines, 2015. Collection method: clinical testing. Allele origin: biparental. Observed: 1 variant allele, 1 homozygote.
Comment: The p.Arg91Trp variant in the SFXN4 gene has not been previously reported in association with disease. This variant has been identified in 8/35,434 Latino/Admixed American chromosomes by the Genome Aggregation Database. Computational tools predict that this variant does not impact protein function; however, the accuracy of in silico algorithms is limited. These data were assessed using the ACMG/AMP variant interpretation guidelines. In summary, the significance of the p.Arg91Trp variant is uncertain. Additional information is needed to resolve the significance of this variant. [ACMG evidence codes used: PM2; PM3_supporting; BP4]

NM_213649.2(SFXN4):c.271C>T (p.Arg91Trp)

Gene: SFXN4 (sideroflexin 4; minus strand). Cytogenetic location: 10q26.11.
Variant type: single nucleotide variant.
Coding change: c.271C>T on transcript NM_213649.2 (MANE Select); coding-DNA position 271, C replaced by T.
Protein change: p.Arg91Trp; replaces arginine 91 with tryptophan.
Molecular consequence: missense variant.
Genome position (GRCh38, 1-based): chr10:119,161,063, G>A on the plus strand (C>T on the coding strand, the complement: SFXN4 is on the minus strand). VCF-style: chr10-119161063-G-A. GRCh37 (hg19) VCF-style: chr10-120920575-G-A.
Other names: short protein forms R91W.
Identifiers: ClinVar variation 3899877 (VCV003899877.4).